The following is an entry in ClinVar:

ClinVar aggregate classification (germline): Uncertain significance. Review status: criteria provided, multiple submitters, no conflicts (2 of 4 stars). 2 submissions from 2 submitters: Uncertain significance (2). Last evaluated 2025-08-28.

Conditions:
Inborn genetic diseases. Identifiers: MedGen C0950123, MeSH D030342.
Sialuria. Also called: SIALURIA, FRENCH TYPE; Sialic Acid Storage Disease. Identifiers: Orphanet 3166, MedGen C0342853, MONDO:0010028, OMIM 269921.
GNE myopathy (NM). Also called: NONAKA DISTAL MYOPATHY; INCLUSION BODY MYOPATHY, HEREDITARY, AUTOSOMAL RECESSIVE; INCLUSION BODY MYOPATHY 2, AUTOSOMAL RECESSIVE; MYOPATHY, DISTAL, WITH OR WITHOUT RIMMED VACUOLES; IBM 2; Inclusion body myopathy autosomal recessive. Identifiers: Orphanet 602, MedGen C1853926, MONDO:0011603, OMIM 605820.

Allele frequency attached by ClinVar (database versions not stated): gnomAD exomes below 0.00001; ExAC 0.00001.
gnomAD v4.1: 3 of 1,606,344 alleles (0.00019%); highest among the groups gnomAD compares: Non-Finnish European, 0.00026%; no homozygotes.

Submissions (2):

Ambry Genetics
Classification: Uncertain significance for Inborn genetic diseases. Last evaluated: 2025-08-28. Review status: criteria provided, single submitter. Criteria: Ambry Variant Classification Scheme 2023. Collection method: clinical testing. Allele origin: germline.

Labcorp Genetics (formerly Invitae), Labcorp
Classification: Uncertain significance for Sialuria; GNE myopathy. Last evaluated: 2023-03-16. Review status: criteria provided, single submitter. Criteria: Invitae Variant Classification Sherloc (09022015). Collection method: clinical testing. Allele origin: germline.
Comment: This variant is present in population databases (rs774260686, gnomAD 0.002%). In summary, the available evidence is currently insufficient to determine the role of this variant in disease. Therefore, it has been classified as a Variant of Uncertain Significance. Advanced modeling of protein sequence and biophysical properties (such as structural, functional, and spatial information, amino acid conservation, physicochemical variation, residue mobility, and thermodynamic stability) has been performed at Invitae for this missense variant, however the output from this modeling did not meet the statistical confidence thresholds required to predict the impact of this variant on GNE protein function. This variant has not been reported in the literature in individuals affected with GNE-related conditions. This sequence change replaces methionine, which is neutral and non-polar, with threonine, which is neutral and polar, at codon 457 of the GNE protein (p.Met457Thr).

NM_005476.7(GNE):c.1277T>C (p.Met426Thr)

Gene: GNE (glucosamine (UDP-N-acetyl)-2-epimerase/N-acetylmannosamine kinase; minus strand). Cytogenetic location: 9p13.3.
Variant type: single nucleotide variant.
Coding change: c.1277T>C on transcript NM_005476.7 (MANE Select); coding-DNA position 1277, T replaced by C.
Protein change: p.Met426Thr; replaces methionine 426 with threonine.
Molecular consequence: missense variant.
Genome position (GRCh38, 1-based): chr9:36,227,252, A>G on the plus strand (T>C on the coding strand, the complement: GNE is on the minus strand). VCF-style: chr9-36227252-A-G. GRCh37 (hg19) VCF-style: chr9-36227249-A-G.
Other names: c.1370T>C (NM_001128227.2); c.947T>C, p.Met316Thr (NM_001190384.3); c.1100T>C, p.Met367Thr (NM_001190388.2, NM_001374798.1); c.1124T>C, p.Met375Thr (NM_001374797.1); c.1370T>C, p.Met457Thr (NM_001128227.3); c.1277T>C, p.Met426Thr (NM_001190383.3); short protein forms M457T, M316T, M375T, M426T, M367T.
Identifiers: ClinVar variation 2927235 (VCV002927235.4), dbSNP rs774260686, ClinGen allele CA5056546.
Genomic context (GRCh38, chr9:36,227,252, plus strand): 5'-AAAAAAATCAATCGCTCATATGGGATATAAAGTTAGGAGTTTAGGAGTTATTTTACCTTC[A>G]TGCTGACTATTGCAACTCGGAGGTTCGTCCCGCCAAGATCAACGGCCAAGGCACTTAGAG-3'
Protein context (NP_005467.1, residues 416-436): GTNLRVAIVS[Met426Thr]KGEIVKKYTQ